The following is an entry in ClinVar:

NM_001103.4(ACTN2):c.1217del (p.Phe406fs)

Gene: ACTN2 (actinin alpha 2; plus strand). Cytogenetic location: 1q43.
Variant type: Deletion.
Coding change: c.1217del on transcript NM_001103.4 (MANE Select); coding-DNA position 1217, one base deleted (T; older notation c.1217delT).
Protein change: p.Phe406fs; shifts the reading frame from phenylalanine 406.
Molecular consequence: frameshift variant. On other transcripts: non-coding transcript variant (1).
Genome position (GRCh38, 1-based): chr1:236,743,005, T deleted; the last of 2 consecutive T bases (chr1:236,743,004-236,743,005); deleting either gives the same sequence. VCF-style (leftmost placement, unchanged base first): chr1-236743003-GT-G. GRCh37 (hg19) VCF-style: chr1-236906303-GT-G.
Other names: c.1217del, p.Phe406fs (NM_001278343.2); short protein forms F406fs.
Identifiers: ClinVar variation 3757448 (VCV003757448.2).

ClinVar aggregate classification (germline): Uncertain significance (1 of 4 stars; one submission).

Conditions:
Primary familial hypertrophic cardiomyopathy (HCM). Identifiers: Orphanet 99739, MedGen C0949658, MeSH D024741, MONDO:0024573. Inheritance: Various modes of inheritance.
Dilated cardiomyopathy 1AA (CMD1AA). Also called: CARDIOMYOPATHY, DILATED, 1AA, WITH OR WITHOUT LEFT VENTRICULAR NONCOMPACTION; CARDIOMYOPATHY, FAMILIAL HYPERTROPHIC, 23, WITH OR WITHOUT LEFT VENTRICULAR NONCOMPACTION; Cardiomyopathy, dilated, 1AA, with or without LVNC. Identifiers: Orphanet 154, MedGen C2677338, MONDO:0012808, OMIM 612158.

Submission:

Labcorp Genetics (formerly Invitae), Labcorp
Classification: Uncertain significance for Primary familial hypertrophic cardiomyopathy; Dilated cardiomyopathy 1AA. Last evaluated: 2024-07-30. Review status: criteria provided, single submitter. Criteria: Invitae Variant Classification Sherloc (09022015). Collection method: clinical testing. Allele origin: germline.
Comment: This sequence change creates a premature translational stop signal (p.Phe406Serfs*29) in the ACTN2 gene. It is expected to result in an absent or disrupted protein product. However, the current clinical and genetic evidence is not sufficient to establish whether loss-of-function variants in ACTN2 cause disease. This variant is not present in population databases (gnomAD no frequency). This variant has not been reported in the literature in individuals affected with ACTN2-related conditions. In summary, the available evidence is currently insufficient to determine the role of this variant in disease. Therefore, it has been classified as a Variant of Uncertain Significance.